The following is an entry in ClinVar:

ClinVar aggregate classification (germline): Uncertain significance (1 of 4 stars; one submission).

Conditions:
Adams-Oliver syndrome 5 (AOS5). Identifiers: Orphanet 974, MedGen C4014970, MONDO:0014459, OMIM 616028.

gnomAD v4.1: 3 of 1,605,988 alleles (0.00019%); highest among the groups gnomAD compares: East Asian, 0.0067%; no homozygotes.

Submission:

Labcorp Genetics (formerly Invitae), Labcorp
Classification: Uncertain significance for Adams-Oliver syndrome 5. Last evaluated: 2025-06-14. Review status: criteria provided, single submitter. Criteria: Invitae Variant Classification Sherloc (09022015). Collection method: clinical testing. Allele origin: germline.
Comment: This sequence change replaces valine, which is neutral and non-polar, with isoleucine, which is neutral and non-polar, at codon 489 of the NOTCH1 protein (p.Val489Ile). This variant is not present in population databases (gnomAD no frequency). This variant has not been reported in the literature in individuals affected with NOTCH1-related conditions. Invitae Evidence Modeling of protein sequence and biophysical properties (such as structural, functional, and spatial information, amino acid conservation, physicochemical variation, residue mobility, and thermodynamic stability) indicates that this missense variant is not expected to disrupt NOTCH1 protein function with a negative predictive value of 80%. In summary, the available evidence is currently insufficient to determine the role of this variant in disease. Therefore, it has been classified as a Variant of Uncertain Significance.

NM_017617.5(NOTCH1):c.1465G>A (p.Val489Ile)

Gene: NOTCH1 (notch receptor 1; minus strand). Cytogenetic location: 9q34.3.
Variant type: single nucleotide variant.
Coding change: c.1465G>A on transcript NM_017617.5 (MANE Select); coding-DNA position 1465, G replaced by A.
Protein change: p.Val489Ile; replaces valine 489 with isoleucine.
Molecular consequence: missense variant.
Genome position (GRCh38, 1-based): chr9:136,517,362, C>T on the plus strand (G>A on the coding strand, the complement: NOTCH1 is on the minus strand). VCF-style: chr9-136517362-C-T. GRCh37 (hg19) VCF-style: chr9-139411814-C-T.
Other names: short protein forms V489I.
Identifiers: ClinVar variation 4766032 (VCV004766032.1).